The following is an entry in ClinVar:

ClinVar aggregate classification (germline): Uncertain significance. Review status: criteria provided, multiple submitters, no conflicts (2 of 4 stars). 4 submissions from 4 submitters: Uncertain significance (2). 2 of the submissions do not count toward it. Last evaluated 2025-12-19.

Allele frequency attached by ClinVar (database versions not stated): ExAC below 0.00001; gnomAD exomes 0.00006; gnomAD 0.00009; TOPMed 0.00016.
gnomAD v4.1: 142 of 1,554,036 alleles (0.0091%); highest among the groups gnomAD compares: Middle Eastern, 0.033%; no homozygotes.

Submissions (4):

Labcorp Genetics (formerly Invitae), Labcorp
Classification: Uncertain significance. Last evaluated: 2025-12-19. Review status: criteria provided, single submitter. Criteria: Invitae Variant Classification Sherloc (09022015). Collection method: clinical testing. Allele origin: germline.
Comment: This sequence change replaces proline, which is neutral and non-polar, with threonine, which is neutral and polar, at codon 922 of the RIMS1 protein (p.Pro922Thr). The frequency data for this variant in the population databases is considered unreliable, as metrics indicate poor data quality at this position in the gnomAD database. This variant has not been reported in the literature in individuals affected with RIMS1-related conditions. ClinVar contains an entry for this variant (Variation ID: 836679). An algorithm developed to predict the effect of missense changes on protein structure and function (PolyPhen-2) suggests that this variant is likely to be disruptive. In summary, the available evidence is currently insufficient to determine the role of this variant in disease. Therefore, it has been classified as a Variant of Uncertain Significance.

Ambry Genetics
Classification: Uncertain significance. Last evaluated: 2022-08-01. Review status: criteria provided, single submitter. Criteria: Ambry Variant Classification Scheme 2023. Collection method: clinical testing. Allele origin: germline.

Clinical Genetics DNA and cytogenetics Diagnostics Lab, Erasmus MC, Erasmus Medical Center
Classification: Uncertain significance. Review status: no assertion criteria provided. Collection method: clinical testing. Allele origin: germline. Affected: yes. Study: VKGL Data-share Consensus. Not counted in ClinVar's aggregate classification.

Clinical Genetics, Academic Medical Center
Classification: Uncertain significance. Review status: no assertion criteria provided. Collection method: clinical testing. Allele origin: germline. Affected: yes. Study: VKGL Data-share Consensus. Not counted in ClinVar's aggregate classification.

NM_014989.7(RIMS1):c.2764C>A (p.Pro922Thr)

Gene: RIMS1 (regulating synaptic membrane exocytosis 1; plus strand). Cytogenetic location: 6q13.
Variant type: single nucleotide variant.
Coding change: c.2764C>A on transcript NM_014989.7 (MANE Select); coding-DNA position 2764, C replaced by A.
Protein change: p.Pro922Thr; replaces proline 922 with threonine.
Molecular consequence: missense variant.
Genome position (GRCh38, 1-based): chr6:72,252,826, C>A. VCF-style: chr6-72252826-C-A. GRCh37 (hg19) VCF-style: chr6-72962529-C-A.
Other names: c.1186C>A, p.Pro396Thr (NM_001168407.2, NM_001168408.2, NM_001350414.2 and 37 more transcripts); c.943C>A, p.Pro315Thr (NM_001168409.2, NM_001350461.2, NM_001350463.2 and 6 more transcripts); c.1141C>A, p.Pro381Thr (NM_001168410.2, NM_001350470.2, NM_001350472.2 and 2 more transcripts); c.1117C>A, p.Pro373Thr (NM_001350421.2, NM_001350424.2, NM_001350428.2 and 6 more transcripts); c.2764C>A (NM_014989.4); short protein forms P315T, P381T, P922T, P373T, P396T.
Identifiers: ClinVar variation 836679 (VCV000836679.10), dbSNP rs549248313, ClinGen allele CA3886021.